The following is an entry in ClinVar:

NM_004991.4(MECOM):c.1616A>C (p.Gln539Pro)

Gene: MECOM (MDS1 and EVI1 complex locus; minus strand). Cytogenetic location: 3q26.2.
Variant type: single nucleotide variant.
Coding change: c.1616A>C on transcript NM_004991.4 (MANE Select); coding-DNA position 1616, A replaced by C.
Protein change: p.Gln539Pro; replaces glutamine 539 with proline.
Molecular consequence: missense variant. On other transcripts: intron variant (2).
Genome position (GRCh38, 1-based): chr3:169,116,256, T>G on the plus strand (A>C on the coding strand, the complement: MECOM is on the minus strand). VCF-style: chr3-169116256-T-G. GRCh37 (hg19) VCF-style: chr3-168834044-T-G.
Other names: c.1247A>C, p.Gln416Pro (NM_001105077.4); c.1052A>C, p.Gln351Pro (NM_001105078.4, NM_001164000.2, NM_001205194.2 and 4 more transcripts); c.1055A>C, p.Gln352Pro (NM_001163999.2, NM_001366467.2, NM_001366468.2 and 1 more transcripts); c.1616A>C, p.Gln539Pro (NM_001366466.2); c.1133-489A>C (NM_001366473.2); c.569-489A>C (NM_001366474.2); short protein forms Q539P, Q416P, Q351P, Q352P.
Identifiers: ClinVar variation 4053117 (VCV004053117.1).

ClinVar aggregate classification (germline): Uncertain significance (1 of 4 stars; one submission).

Conditions:
Inborn genetic diseases. Identifiers: MedGen C0950123, MeSH D030342.

gnomAD v4.1: 4 of 1,614,070 alleles (0.00025%); highest among the groups gnomAD compares: Non-Finnish European, 0.00034%; no homozygotes.

Submission:

Ambry Genetics
Classification: Uncertain significance for Inborn genetic diseases. Last evaluated: 2025-03-29. Review status: criteria provided, single submitter. Criteria: Ambry Variant Classification Scheme 2023. Collection method: clinical testing. Allele origin: germline.
Comment: The p.Q539P variant (also known as c.1616A>C), located in coding exon 8 of the MECOM gene, results from an A to C substitution at nucleotide position 1616. The glutamine at codon 539 is replaced by proline, an amino acid with similar properties. This amino acid position is conserved. In addition, the in silico prediction for this alteration is inconclusive. Based on the available evidence, the clinical significance of this variant remains unclear.